The following is an entry in ClinVar:

NM_001379270.1(CNGA1):c.804A>C (p.Leu268Phe)

Genes: CNGA1 (cyclic nucleotide gated channel subunit alpha 1; minus strand), LOC101927157 (uncharacterized LOC101927157; plus strand). Cytogenetic location: 4p12.
Variant type: single nucleotide variant.
Coding change: c.804A>C on transcript NM_001379270.1 (MANE Select); coding-DNA position 804, A replaced by C.
Protein change: p.Leu268Phe; replaces leucine 268 with phenylalanine.
Molecular consequence: missense variant.
Genome position (GRCh38, 1-based): chr4:47,937,678, T>G on the plus strand (A>C on the coding strand, the complement: CNGA1 is on the minus strand). VCF-style: chr4-47937678-T-G. GRCh37 (hg19) VCF-style: chr4-47939695-T-G.
Other names: c.804A>C, p.Leu268Phe (NM_000087.5, NM_001142564.2); short protein forms L268F.
Identifiers: ClinVar variation 1490434 (VCV001490434.6), dbSNP rs760868392, ClinGen allele CA2911187.

ClinVar aggregate classification (germline): Uncertain significance. Review status: criteria provided, multiple submitters, no conflicts (2 of 4 stars). 2 submissions from 2 submitters: Uncertain significance (2). Last evaluated 2022-09-13.

Allele frequency attached by ClinVar (database versions not stated): ExAC 0.00002.
gnomAD v4.1: 7 of 1,614,054 alleles (0.00043%); highest among the groups gnomAD compares: African/African-American, 0.0093%; no homozygotes.

Submissions (2):

Labcorp Genetics (formerly Invitae), Labcorp
Classification: Uncertain significance. Last evaluated: 2022-09-13. Review status: criteria provided, single submitter. Criteria: Invitae Variant Classification Sherloc (09022015). Collection method: clinical testing. Allele origin: germline.
Comment: This sequence change replaces leucine, which is neutral and non-polar, with phenylalanine, which is neutral and non-polar, at codon 272 of the CNGA1 protein (p.Leu272Phe). This variant is present in population databases (rs760868392, gnomAD 0.01%). This variant has not been reported in the literature in individuals affected with CNGA1-related conditions. ClinVar contains an entry for this variant (Variation ID: 1490434). Algorithms developed to predict the effect of missense changes on protein structure and function are either unavailable or do not agree on the potential impact of this missense change (SIFT: "Deleterious"; PolyPhen-2: "Probably Damaging"; Align-GVGD: "Class C0"). In summary, the available evidence is currently insufficient to determine the role of this variant in disease. Therefore, it has been classified as a Variant of Uncertain Significance.

Blueprint Genetics
Classification: Uncertain significance. Last evaluated: 2021-04-12. Review status: criteria provided, single submitter. Criteria: ACMG Guidelines, 2015. Collection method: clinical testing. Allele origin: germline.